The following is an entry in ClinVar:

ClinVar aggregate classification (germline): Pathogenic (1 of 4 stars; one submission).

Submission:

Labcorp Genetics (formerly Invitae), Labcorp
Classification: Pathogenic. Last evaluated: 2025-07-03. Review status: criteria provided, single submitter. Criteria: Invitae Variant Classification Sherloc (09022015). Collection method: clinical testing. Allele origin: germline.
Comment: This sequence change creates a premature translational stop signal (p.Ser250Valfs*13) in the KERA gene. It is expected to result in an absent or disrupted protein product. Loss-of-function variants in KERA are known to be pathogenic (PMID: 10802664, 16234475, 31059048). This variant is not present in population databases (gnomAD no frequency). This variant has not been reported in the literature in individuals affected with KERA-related conditions. For these reasons, this variant has been classified as Pathogenic.

Literature cited by the submitters: PubMed 10802664; PubMed 16234475; PubMed 31059048.

NM_007035.4(KERA):c.748_757del (p.Ser250fs)

Gene: KERA (keratocan; minus strand). Cytogenetic location: 12q21.33.
Variant type: Deletion.
Coding change: c.748_757del on transcript NM_007035.4 (MANE Select); coding-DNA positions 748 to 757, 10 bases deleted (TCAGATGAGG; older notation c.748_757delTCAGATGAGG).
Protein change: p.Ser250fs; shifts the reading frame from serine 250.
Molecular consequence: frameshift variant.
Genome position (GRCh38, 1-based): chr12:91,055,525-91,055,534, CCTCATCTGA deleted on the plus strand (TCAGATGAGG on the coding strand, the reverse complement: KERA is on the minus strand); deleting any 10 consecutive bases within chr12:91,055,525-91,055,535 gives the same sequence; the c. name uses the placement nearest the transcript's 3' end. VCF-style (leftmost placement, unchanged base first): chr12-91055524-CCCTCATCTGA-C. GRCh37 (hg19) VCF-style: chr12-91449301-CCCTCATCTGA-C.
Other names: short protein forms S250fs.
Identifiers: ClinVar variation 4767828 (VCV004767828.1).